The following is an entry in ClinVar:

ClinVar aggregate classification (germline): Pathogenic (1 of 4 stars; one submission).

Conditions:
Blepharophimosis - intellectual disability syndrome, SBBYS type (SBBYSS). Also called: Young Simpson syndrome; Mental retardation unusual facies hypothyroidism; Ohdo syndrome, SBBYS variant; SBBYSS syndrome; Say-Barber-Biesecker-Young-Simpson syndrome; Say-Barber-Biesecker-Young-Simpson variant of Ohdo Syndrome. Identifiers: Orphanet 3047, MedGen C1863557, MONDO:0011365, OMIM 603736.

Submission:

Victorian Clinical Genetics Services, Murdoch Childrens Research Institute
Classification: Pathogenic for Blepharophimosis - intellectual disability syndrome, SBBYS type. Last evaluated: 2021-05-06. Review status: criteria provided, single submitter. Criteria: ACMG Guidelines, 2015. Collection method: clinical testing. Allele origin: germline. Inheritance: Autosomal dominant inheritance.
Comment: Based on the classification scheme VCGS_Germline_v1.3.4, this variant is classified as Pathogenic. Following criteria are met: 0103 - Loss of function and gain of function are known mechanisms of disease in this gene and are associated with Say-Barber-Biesecker-Young-Simpson syndrome (SBBYSS) (MIM#603736) and genitopatellar syndrome (MIM#606170), respectively. (I) 0107 - This gene is associated with autosomal dominant disease. (I) 0205 - Variant is predicted to result in a truncated protein (premature termination codon is NOT located at least 54 nucleotides upstream of the final exon-exon junction) with less than 1/3 of the protein sequence affected. (SP) 0251 - This variant is heterozygous. (I) 0301 - Variant is absent from gnomAD (both v2 and v3). (SP) 0701 - Other protein truncating variants comparable to the one identified in this case have very strong previous evidence for pathogenicity. Multiple variants located downstream and predicted to result in a truncated protein have been reported pathogenic in individuals with SBBYSS syndrome (PMID: 32424177, ClinVar, DECIPHER). (SP) 0807 - This variant has no previous evidence of pathogenicity. (I) 0905 - No published segregation evidence has been identified for this variant. (I) 1007 - No published functional evidence has been identified for this variant. (I) 1208 - Inheritance information for this variant is not currently available in this individual. (I) Legend: (SP) - Supporting pathogenic, (I) - Information, (SB) - Supporting benign

Literature cited by the submitters: PubMed 32424177.

NM_012330.4(KAT6B):c.5356G>T (p.Glu1786Ter)

Gene: KAT6B (lysine acetyltransferase 6B; plus strand). Cytogenetic location: 10q22.2.
Variant type: single nucleotide variant.
Coding change: c.5356G>T on transcript NM_012330.4 (MANE Select); coding-DNA position 5356, G replaced by T.
Protein change: p.Glu1786Ter; replaces glutamic acid 1786 with a stop codon.
Molecular consequence: nonsense.
Genome position (GRCh38, 1-based): chr10:75,030,180, G>T. VCF-style: chr10-75030180-G-T. GRCh37 (hg19) VCF-style: chr10-76789938-G-T.
Other names: c.4807G>T, p.Glu1603Ter (NM_001256468.2, NM_001370138.1); c.4480G>T, p.Glu1494Ter (NM_001256469.2, NM_001370139.1, NM_001370140.1 and 2 more transcripts); c.4318G>T, p.Glu1440Ter (NM_001370132.1); c.3667G>T, p.Glu1223Ter (NM_001370133.1); c.3271G>T, p.Glu1091Ter (NM_001370134.1); c.3013G>T, p.Glu1005Ter (NM_001370135.1); c.5356G>T, p.Glu1786Ter (NM_001370136.1, NM_001370137.1); c.4291G>T, p.Glu1431Ter (NM_001370143.1, NM_001370144.1); short protein forms E1005*, E1091*, E1223*, E1431*, E1440*, E1494*, E1603*, E1786*.
Identifiers: ClinVar variation 1806175 (VCV001806175.1), dbSNP rs906740657, ClinGen allele CA377300980.